The following is an entry in ClinVar:

NM_001655.5(ARCN1):c.752C>T (p.Ser251Phe)

Gene: ARCN1 (archain 1 coat protein complex I subunit delta; plus strand). Cytogenetic location: 11q23.3.
Variant type: single nucleotide variant.
Coding change: c.752C>T on transcript NM_001655.5 (MANE Select); coding-DNA position 752, C replaced by T.
Protein change: p.Ser251Phe; replaces serine 251 with phenylalanine.
Molecular consequence: missense variant.
Genome position (GRCh38, 1-based): chr11:118,584,578, C>T. VCF-style: chr11-118584578-C-T. GRCh37 (hg19) VCF-style: chr11-118455293-C-T.
Other names: c.488C>T, p.Ser163Phe (NM_001142281.2); short protein forms S163F, S251F.
Identifiers: ClinVar variation 977886 (VCV000977886.14), dbSNP rs146939812, ClinGen allele CA6306125.

ClinVar aggregate classification (germline): Benign/Likely benign. Review status: criteria provided, multiple submitters, no conflicts (2 of 4 stars). 4 submissions from 4 submitters: Benign (1); Likely benign (2). 1 of the submissions does not count toward it. Last evaluated 2025-10-02.

Conditions:
Inborn genetic diseases. Identifiers: MedGen C0950123, MeSH D030342.
Short stature, rhizomelic, with microcephaly, micrognathia, and developmental delay (SSMG). Also called: SHORT STATURE-MICROGNATHIA SYNDROME. Identifiers: Orphanet 659702, MedGen C4310686, MONDO:0014948, OMIM 617164.

Allele frequency attached by ClinVar (database versions not stated): gnomAD 0.00013; 1000 Genomes Project 30x 0.00016; ExAC 0.00016; gnomAD exomes 0.00018; 1000 Genomes Project 0.00020; ESP Exome Variant Server 0.00023.
gnomAD v4.1: 274 of 1,613,776 alleles (0.017%); highest among the groups gnomAD compares: Non-Finnish European, 0.022%; no homozygotes.

Submissions (4):

Labcorp Genetics (formerly Invitae), Labcorp
Classification: Benign. Last evaluated: 2025-10-02. Review status: criteria provided, single submitter. Criteria: Invitae Variant Classification Sherloc (09022015). Collection method: clinical testing. Allele origin: germline.

CeGaT Center for Human Genetics Tuebingen
Classification: Likely benign. Last evaluated: 2025-09-01. Review status: criteria provided, single submitter. Criteria: CeGaT Center For Human Genetics Tuebingen Variant Classification Criteria Version 2. Collection method: clinical testing. Allele origin: germline. Affected: yes. Observed: 1 variant allele.
Comment: ARCN1: BP4

Ambry Genetics
Classification: Likely benign for Inborn genetic diseases. Last evaluated: 2022-10-12. Review status: criteria provided, single submitter. Criteria: Ambry Variant Classification Scheme 2023. Collection method: clinical testing. Allele origin: germline.

Service de Génétique Moléculaire, Hôpital Robert Debré
Classification: Likely benign for Short stature, rhizomelic, with microcephaly, micrognathia, and developmental delay. Review status: no assertion criteria provided. Collection method: clinical testing. Allele origin: unknown. Affected: yes. Not counted in ClinVar's aggregate classification.